The following is an entry in ClinVar:

ClinVar aggregate classification (germline): Uncertain significance. Review status: criteria provided, multiple submitters, no conflicts (2 of 4 stars). 4 submissions from 4 submitters: Uncertain significance (4). Last evaluated 2026-04-07.

Conditions:
Neuropathy, hereditary sensory and autonomic, type 2A (HSAN2A). Also called: MORVAN DISEASE; NEUROPATHY, CONGENITAL SENSORY; NEUROPATHY, HEREDITARY SENSORY RADICULAR, AUTOSOMAL RECESSIVE; NEUROPATHY, HEREDITARY SENSORY, TYPE IIA; NEUROPATHY, PROGRESSIVE SENSORY, OF CHILDREN; ACROOSTEOLYSIS, GIACCAI TYPE. Identifiers: Orphanet 970, MedGen C2752089, MONDO:0024309, OMIM 201300.
Pseudohypoaldosteronism type 2C (PHA2C). Also called: Pseudohypoaldosteronism Type IIC. Identifiers: Orphanet 757, Orphanet 88940, MedGen C1840391, MONDO:0013778, OMIM 614492.
WNK1-related disorder. Also called: WNK1-related condition.

Allele frequency attached by ClinVar (database versions not stated): gnomAD exomes 0.00007; TOPMed 0.00009; ExAC 0.00016.
gnomAD v4.1: 74 of 1,535,942 alleles (0.0048%); highest among the groups gnomAD compares: East Asian, 0.037%; no homozygotes.

Submissions (4):

PreventionGenetics, part of Exact Sciences
Classification: Uncertain significance for WNK1-related condition. Last evaluated: 2026-04-07. Review status: criteria provided, single submitter. Criteria: ACMG Guidelines, 2015. Collection method: clinical testing. Allele origin: germline.
Comment: The WNK1 c.2351G>A variant is predicted to result in the amino acid substitution p.Arg784His. To our knowledge, this variant has not been reported in the literature. This variant is reported in 0.050% of alleles in individuals of East Asian descent in gnomAD. At this time, the clinical significance of this variant is uncertain due to the absence of conclusive functional and genetic evidence.

Labcorp Genetics (formerly Invitae), Labcorp
Classification: Uncertain significance for Neuropathy, hereditary sensory and autonomic, type 2A; Pseudohypoaldosteronism type 2C. Last evaluated: 2025-06-02. Review status: criteria provided, single submitter. Criteria: Invitae Variant Classification Sherloc (09022015). Collection method: clinical testing. Allele origin: germline.
Comment: This sequence change replaces arginine, which is basic and polar, with histidine, which is basic and polar, at codon 784 of the WNK1 protein (p.Arg784His). This variant is present in population databases (rs769105175, gnomAD 0.04%). This variant has not been reported in the literature in individuals affected with WNK1-related conditions. ClinVar contains an entry for this variant (Variation ID: 943558). Invitae Evidence Modeling of protein sequence and biophysical properties (such as structural, functional, and spatial information, amino acid conservation, physicochemical variation, residue mobility, and thermodynamic stability) indicates that this missense variant is not expected to disrupt WNK1 protein function with a negative predictive value of 95%. In summary, the available evidence is currently insufficient to determine the role of this variant in disease. Therefore, it has been classified as a Variant of Uncertain Significance.

Mayo Clinic Laboratories, Mayo Clinic
Classification: Uncertain significance. Last evaluated: 2023-07-07. Review status: criteria provided, single submitter. Criteria: ACMG Guidelines, 2015. Collection method: clinical testing. Allele origin: germline. Observed: 1 variant allele.
Comment: BP4, PM2_moderate

Fulgent Genetics
Classification: Uncertain significance for Neuropathy, hereditary sensory and autonomic, type 2A; Pseudohypoaldosteronism type 2C. Last evaluated: 2022-01-25. Review status: criteria provided, single submitter. Criteria: ACMG Guidelines, 2015. Collection method: clinical testing. Allele origin: unknown.

NM_213655.5(WNK1):c.2351G>A (p.Arg784His)

Gene: WNK1 (WNK lysine deficient protein kinase 1; plus strand). Cytogenetic location: 12p13.33.
Variant type: single nucleotide variant.
Coding change: c.2351G>A on transcript NM_213655.5 (MANE Plus Clinical); coding-DNA position 2351, G replaced by A.
Protein change: p.Arg784His; replaces arginine 784 with histidine.
Molecular consequence: missense variant. On other transcripts: intron variant (3).
Genome position (GRCh38, 1-based): chr12:865,321, G>A. VCF-style: chr12-865321-G-A. GRCh37 (hg19) VCF-style: chr12-974487-G-A.
Other names: p.Arg784His; c.2140-2545G>A (NM_001184985.2); c.2139+3051G>A (NM_018979.4, NM_014823.3); short protein forms R784H.
Identifiers: ClinVar variation 943558 (VCV000943558.10), dbSNP rs769105175, ClinGen allele CA6382143.
Genomic context (GRCh38, chr12:865,321, plus strand): 5'-TTGCCGAAAAGCTTTCTAAAGCATTGGAGAGTGTCCTGCCTATGCACTCTGCCTCTCAGC[G>A]CAAGCACCGACGCTCCAGCCTGCCTTCCCTCTTTGTCAGTACTGTATGTAACTGTAAACT-3'
Protein context (NP_998820.3, residues 774-794): SVLPMHSASQ[Arg784His]KHRRSSLPSL